The following is an entry in ClinVar:

NM_020461.4(TUBGCP6):c.273G>C (p.Glu91Asp)

Gene: TUBGCP6 (tubulin gamma complex component 6; minus strand). Cytogenetic location: 22q13.33.
Variant type: single nucleotide variant.
Coding change: c.273G>C on transcript NM_020461.4 (MANE Select); coding-DNA position 273, G replaced by C.
Protein change: p.Glu91Asp; replaces glutamic acid 91 with aspartic acid.
Molecular consequence: missense variant.
Genome position (GRCh38, 1-based): chr22:50,244,187, C>G on the plus strand (G>C on the coding strand, the complement: TUBGCP6 is on the minus strand). VCF-style: chr22-50244187-C-G. GRCh37 (hg19) VCF-style: chr22-50682616-C-G.
Other names: short protein forms E91D.
Identifiers: ClinVar variation 1001583 (VCV001001583.6), dbSNP rs1423752396, ClinGen allele CA412116310.
Genomic context (GRCh38, chr22:50,244,187, plus strand): 5'-CAAAACAGACCCCACCTCCAAAAGCGGACAGCAAGGGGCTGCTTCCAGCTCCTCCACAAG[C>G]TCCTCCAAACGGTCGGCCTTGGGGCCCAGGCCACCCACTCTCAAGTCAAAGGACAACATG-3'
Protein context (NP_065194.3, residues 81-101): GLGPKADRLE[Glu91Asp]LVEELEAAPC

ClinVar aggregate classification (germline): Uncertain significance (1 of 4 stars; one submission).

Allele frequency attached by ClinVar (database versions not stated): gnomAD exomes 0.00001; TOPMed 0.00001.
gnomAD v4.1: 11 of 1,613,220 alleles (0.00068%); highest among the groups gnomAD compares: Middle Eastern, 0.016%; no homozygotes.

Submission:

Labcorp Genetics (formerly Invitae), Labcorp
Classification: Uncertain significance. Last evaluated: 2021-08-26. Review status: criteria provided, single submitter. Criteria: Invitae Variant Classification Sherloc (09022015). Collection method: clinical testing. Allele origin: germline.
Comment: This sequence change replaces glutamic acid with aspartic acid at codon 91 of the TUBGCP6 protein (p.Glu91Asp). The glutamic acid residue is moderately conserved and there is a small physicochemical difference between glutamic acid and aspartic acid. This variant is not present in population databases (ExAC no frequency). This variant has not been reported in the literature in individuals affected with TUBGCP6-related conditions. Algorithms developed to predict the effect of missense changes on protein structure and function output the following: SIFT: "Tolerated"; PolyPhen-2: "Benign"; Align-GVGD: "Class C0". The aspartic acid amino acid residue is found in multiple mammalian species, which suggests that this missense change does not adversely affect protein function. In summary, the available evidence is currently insufficient to determine the role of this variant in disease. Therefore, it has been classified as a Variant of Uncertain Significance.